The following is an entry in ClinVar:

ClinVar aggregate classification (germline): Benign. Review status: criteria provided, multiple submitters, no conflicts (2 of 4 stars). 3 submissions from 3 submitters: Benign (3). Last evaluated 2019-01-19.

Conditions:
Congenital stationary night blindness 1C. Also called: Night blindness, congenital stationary (complete), 1C, autosomal recessive. Identifiers: Orphanet 215, MedGen C2750747, MONDO:0013183, OMIM 613216.

Allele frequency attached by ClinVar (database versions not stated): 1000 Genomes Project 0.09625; 1000 Genomes Project 30x 0.09744; TOPMed 0.15163; gnomAD 0.16454; gnomAD exomes 0.19235.
gnomAD v4.1: 103,732 of 563,636 alleles (18%); highest among the groups gnomAD compares: Non-Finnish European, 23%; 11,368 homozygotes.

Submissions (3):

GeneDx
Classification: Benign. Last evaluated: 2019-01-19. Review status: criteria provided, single submitter. Criteria: GeneDx Variant Classification Process June 2021. Collection method: clinical testing. Allele origin: germline. Affected: yes.

Illumina Laboratory Services, Illumina
Classification: Benign for Congenital stationary night blindness 1C. Last evaluated: 2018-01-13. Review status: criteria provided, single submitter. Criteria: ICSL Variant Classification Criteria 13 December 2019. Collection method: clinical testing. Allele origin: germline.
Comment: This variant was observed in the ICSL laboratory as part of a predisposition screen in an ostensibly healthy population. It had not been previously curated by ICSL or reported in the Human Gene Mutation Database (HGMD: prior to June 1st, 2018), and was therefore a candidate for classification through an automated scoring system. Utilizing variant allele frequency, disease prevalence and penetrance estimates, and inheritance mode, an automated score was calculated to assess if this variant is too frequent to cause the disease. Based on the score and internal cut-off values, a variant classified as benign is not then subjected to further curation. The score for this variant resulted in a classification of benign for this disease.

Breakthrough Genomics
Classification: Benign. Review status: criteria provided, single submitter. Criteria: ACMG Guidelines, 2015. Collection method: not provided. Allele origin: germline. Inheritance: Unknown mechanism. Affected: yes.

NM_001252024.2(TRPM1):c.*251A>G

Gene: TRPM1 (transient receptor potential cation channel subfamily M member 1; minus strand). Cytogenetic location: 15q13.3.
Variant type: single nucleotide variant.
Coding change: c.*251A>G on transcript NM_001252024.2 (MANE Select); 251 bases downstream of the stop codon, A replaced by G.
Molecular consequence: 3 prime UTR variant.
Genome position (GRCh38, 1-based): chr15:31,001,571, T>C on the plus strand (A>G on the coding strand, the complement: TRPM1 is on the minus strand). VCF-style: chr15-31001571-T-C. GRCh37 (hg19) VCF-style: chr15-31293774-T-C.
Other names: c.*251A>G (NM_001252020.2, NM_002420.6).
Identifiers: ClinVar variation 315484 (VCV000315484.8), dbSNP rs17227989, ClinGen allele CA10635749.